The following is an entry in ClinVar:

ClinVar aggregate classification (germline): Uncertain significance (1 of 4 stars; one submission).

Allele frequency attached by ClinVar (database versions not stated): gnomAD 0.00001; ExAC 0.00002; gnomAD exomes 0.00002; TOPMed 0.00002.

Submission:

GeneDx
Classification: Uncertain significance. Last evaluated: 2022-06-24. Review status: criteria provided, single submitter. Criteria: GeneDx Variant Classification Process June 2021. Collection method: clinical testing. Allele origin: germline. Affected: yes.
Comment: In silico analysis supports a deleterious effect on splicing. In the absence of RNA/functional studies, the actual effect of this sequence change is unknown.; In silico analysis supports that this missense variant does not alter protein structure/function; Not observed at significant frequency in large population cohorts (gnomAD); Has not been previously published as pathogenic or benign to our knowledge

NM_178172.6(GPIHBP1):c.8C>T (p.Ala3Val)

Gene: GPIHBP1 (glycosylphosphatidylinositol anchored high density lipoprotein binding protein 1; plus strand). Cytogenetic location: 8q24.3.
Variant type: single nucleotide variant.
Coding change: c.8C>T on transcript NM_178172.6 (MANE Select); coding-DNA position 8, C replaced by T.
Protein change: p.Ala3Val; replaces alanine 3 with valine.
Molecular consequence: missense variant.
Genome position (GRCh38, 1-based): chr8:143,213,275, C>T. VCF-style: chr8-143213275-C-T. GRCh37 (hg19) VCF-style: chr8-144295150-C-T.
Other names: c.8C>T, p.Ala3Val (NM_001301772.2); short protein forms A3V.
Identifiers: ClinVar variation 1806737 (VCV001806737.1), dbSNP rs776871524, ClinGen allele CA4906981.